The following is an entry in ClinVar:

ClinVar aggregate classification (germline): Uncertain significance. Review status: criteria provided, multiple submitters, no conflicts (2 of 4 stars). 2 submissions from 2 submitters: Uncertain significance (2). Last evaluated 2025-05-16.

Allele frequency attached by ClinVar (database versions not stated): gnomAD 0.00001; gnomAD exomes 0.00001 and below 0.00001; TOPMed 0.00002; ExAC 0.00001.
gnomAD v4.1: 8 of 1,610,756 alleles (0.0005%); highest among the groups gnomAD compares: Non-Finnish European, 0.00068%; no homozygotes.

Submissions (2):

GeneDx
Classification: Uncertain significance. Last evaluated: 2025-05-16. Review status: criteria provided, single submitter. Criteria: GeneDx Variant Classification Process June 2021. Collection method: clinical testing. Allele origin: germline. Affected: yes.
Comment: In silico analysis suggests that this missense variant does not alter protein structure/function; Has not been previously published as pathogenic or benign to our knowledge

Labcorp Genetics (formerly Invitae), Labcorp
Classification: Uncertain significance. Last evaluated: 2025-05-04. Review status: criteria provided, single submitter. Criteria: Invitae Variant Classification Sherloc (09022015). Collection method: clinical testing. Allele origin: germline.
Comment: This sequence change replaces phenylalanine, which is neutral and non-polar, with serine, which is neutral and polar, at codon 683 of the FLNB protein (p.Phe683Ser). This variant is present in population databases (rs773116327, gnomAD 0.002%). This variant has not been reported in the literature in individuals affected with FLNB-related conditions. ClinVar contains an entry for this variant (Variation ID: 1037957). Invitae Evidence Modeling of protein sequence and biophysical properties (such as structural, functional, and spatial information, amino acid conservation, physicochemical variation, residue mobility, and thermodynamic stability) indicates that this missense variant is not expected to disrupt FLNB protein function with a negative predictive value of 80%. In summary, the available evidence is currently insufficient to determine the role of this variant in disease. Therefore, it has been classified as a Variant of Uncertain Significance.

NM_001457.4(FLNB):c.2048T>C (p.Phe683Ser)

Gene: FLNB (filamin B; plus strand). Cytogenetic location: 3p14.3.
Variant type: single nucleotide variant.
Coding change: c.2048T>C on transcript NM_001457.4 (MANE Select); coding-DNA position 2048, T replaced by C.
Protein change: p.Phe683Ser; replaces phenylalanine 683 with serine.
Molecular consequence: missense variant.
Genome position (GRCh38, 1-based): chr3:58,108,564, T>C. VCF-style: chr3-58108564-T-C. GRCh37 (hg19) VCF-style: chr3-58094291-T-C.
Other names: c.2048T>C, p.Phe683Ser (NM_001164317.2, NM_001164318.2, NM_001164319.2); c.2048T>C (NM_001457.3); short protein forms F683S.
Identifiers: ClinVar variation 1037957 (VCV001037957.6), dbSNP rs773116327, ClinGen allele CA2467998.